The following is an entry in ClinVar:

NM_199420.4(POLQ):c.7289C>A (p.Thr2430Lys)

Gene: POLQ (DNA polymerase theta; minus strand). Cytogenetic location: 3q13.33.
Variant type: single nucleotide variant.
Coding change: c.7289C>A on transcript NM_199420.4 (MANE Select); coding-DNA position 7289, C replaced by A.
Protein change: p.Thr2430Lys; replaces threonine 2430 with lysine.
Molecular consequence: missense variant.
Genome position (GRCh38, 1-based): chr3:121,440,092, G>T on the plus strand (C>A on the coding strand, the complement: POLQ is on the minus strand). VCF-style: chr3-121440092-G-T. GRCh37 (hg19) VCF-style: chr3-121158939-G-T.
Other names: short protein forms T2430K.
Identifiers: ClinVar variation 2497158 (VCV002497158.2), dbSNP rs1399122988, ClinGen allele CA354098811.

ClinVar aggregate classification (germline): Uncertain significance (1 of 4 stars; one submission).

Allele frequency attached by ClinVar (database versions not stated): TOPMed below 0.00001; gnomAD 0.00001.
gnomAD v4.1: 2 of 1,606,554 alleles (0.00012%); highest among the groups gnomAD compares: Non-Finnish European, 0.00017%; no homozygotes.

Submission:

Ambry Genetics
Classification: Uncertain significance. Last evaluated: 2023-02-28. Review status: criteria provided, single submitter. Criteria: Ambry Variant Classification Scheme 2023. Collection method: clinical testing. Allele origin: germline.
Comment: The p.T2430K variant (also known as c.7289C>A), located in coding exon 27 of the POLQ gene, results from a C to A substitution at nucleotide position 7289. The threonine at codon 2430 is replaced by lysine, an amino acid with similar properties. This amino acid position is conserved. In addition, this alteration is predicted to be deleterious by in silico analysis. Since supporting evidence is limited at this time, the clinical significance of this alteration remains unclear.